The following is an entry in ClinVar:

NM_207391.3(RGS9BP):c.506A>G (p.Asn169Ser)

Gene: RGS9BP (regulator of G protein signaling 9 binding protein; plus strand). Cytogenetic location: 19q13.11.
Variant type: single nucleotide variant.
Coding change: c.506A>G on transcript NM_207391.3 (MANE Select); coding-DNA position 506, A replaced by G.
Protein change: p.Asn169Ser; replaces asparagine 169 with serine.
Molecular consequence: missense variant.
Genome position (GRCh38, 1-based): chr19:32,676,769, A>G. VCF-style: chr19-32676769-A-G. GRCh37 (hg19) VCF-style: chr19-33167675-A-G.
Other names: short protein forms N169S.
Identifiers: ClinVar variation 1014402 (VCV001014402.8), dbSNP rs1319668568, ClinGen allele CA405186909.

ClinVar aggregate classification (germline): Uncertain significance (1 of 4 stars; one submission).

Allele frequency attached by ClinVar (database versions not stated): TOPMed below 0.00001.

Submission:

Labcorp Genetics (formerly Invitae), Labcorp
Classification: Uncertain significance. Last evaluated: 2020-07-01. Review status: criteria provided, single submitter. Criteria: Invitae Variant Classification Sherloc (09022015). Collection method: clinical testing. Allele origin: germline.
Comment: This variant has not been reported in the literature in individuals with RGS9BP-related conditions. This variant is not present in population databases (ExAC no frequency). This sequence change replaces asparagine with serine at codon 169 of the RGS9BP protein (p.Asn169Ser). The asparagine residue is highly conserved and there is a small physicochemical difference between asparagine and serine. In summary, the available evidence is currently insufficient to determine the role of this variant in disease. Therefore, it has been classified as a Variant of Uncertain Significance. Algorithms developed to predict the effect of missense changes on protein structure and function (SIFT, PolyPhen-2, Align-GVGD) all suggest that this variant is likely to be tolerated, but these predictions have not been confirmed by published functional studies and their clinical significance is uncertain.